The following is an entry in ClinVar:

ClinVar aggregate classification (germline): Uncertain significance (1 of 4 stars; one submission).

Conditions:
Inborn genetic diseases. Identifiers: MedGen C0950123, MeSH D030342.

Submission:

Ambry Genetics
Classification: Uncertain significance for Inborn genetic diseases. Last evaluated: 2022-04-24. Review status: criteria provided, single submitter. Criteria: Ambry Variant Classification Scheme 2023. Collection method: clinical testing. Allele origin: germline.
Comment: The p.T68I variant (also known as c.203C>T), located in coding exon 4 of the ERCC2 gene, results from a C to T substitution at nucleotide position 203. The threonine at codon 68 is replaced by isoleucine, an amino acid with similar properties. This amino acid position is conserved. In addition, the in silico prediction for this alteration is inconclusive. Since supporting evidence is limited at this time, the clinical significance of this alteration remains unclear.

NM_000400.4(ERCC2):c.203C>T (p.Thr68Ile)

Gene: ERCC2 (ERCC excision repair 2, TFIIH core complex helicase subunit; minus strand). Cytogenetic location: 19q13.32.
Variant type: single nucleotide variant.
Coding change: c.203C>T on transcript NM_000400.4 (MANE Select); coding-DNA position 203, C replaced by T.
Protein change: p.Thr68Ile; replaces threonine 68 with isoleucine.
Molecular consequence: missense variant.
Genome position (GRCh38, 1-based): chr19:45,368,973, G>A on the plus strand (C>T on the coding strand, the complement: ERCC2 is on the minus strand). VCF-style: chr19-45368973-G-A. GRCh37 (hg19) VCF-style: chr19-45872231-G-A.
Other names: c.131C>T, p.Thr44Ile (NM_001130867.2); short protein forms T68I, T44I.
Identifiers: ClinVar variation 1784875 (VCV001784875.2), dbSNP rs2514045007, ClinGen allele CA406379254.